The following is an entry in ClinVar:

NM_198428.3(BBS9):c.459C>A (p.Cys153Ter)

Gene: BBS9 (Bardet-Biedl syndrome 9; plus strand). Cytogenetic location: 7p14.3.
Variant type: single nucleotide variant.
Coding change: c.459C>A on transcript NM_198428.3 (MANE Select); coding-DNA position 459, C replaced by A.
Protein change: p.Cys153Ter; replaces cysteine 153 with a stop codon.
Molecular consequence: nonsense. On other transcripts: non-coding transcript variant (3).
Genome position (GRCh38, 1-based): chr7:33,257,252, C>A. VCF-style: chr7-33257252-C-A. GRCh37 (hg19) VCF-style: chr7-33296864-C-A.
Other names: c.459C>A, p.Cys153Ter (NM_001033604.2, NM_001033605.2, NM_001348036.1 and 7 more transcripts); c.93C>A, p.Cys31Ter (NM_001348037.3, NM_001348044.3, NM_001348045.3 and 1 more transcripts); c.186C>A, p.Cys62Ter (NM_001348038.3, NM_001348039.3); c.324C>A, p.Cys108Ter (NM_001348042.3); short protein forms C31*, C108*, C153*, C62*.
Identifiers: ClinVar variation 2032223 (VCV002032223.4), dbSNP rs1423096639, ClinGen allele CA367252711.

ClinVar aggregate classification (germline): Pathogenic (1 of 4 stars; one submission).

Conditions:
Bardet-Biedl syndrome (BBS). Identifiers: Orphanet 110, MedGen C0752166, MONDO:0015229.

Submission:

Labcorp Genetics (formerly Invitae), Labcorp
Classification: Pathogenic for Bardet-Biedl syndrome. Last evaluated: 2022-09-23. Review status: criteria provided, single submitter. Criteria: Invitae Variant Classification Sherloc (09022015). Collection method: clinical testing. Allele origin: germline.
Comment: For these reasons, this variant has been classified as Pathogenic. This sequence change creates a premature translational stop signal (p.Cys153*) in the BBS9 gene. It is expected to result in an absent or disrupted protein product. Loss-of-function variants in BBS9 are known to be pathogenic (PMID: 16380913, 20177705). This variant is not present in population databases (gnomAD no frequency). This variant has not been reported in the literature in individuals affected with BBS9-related conditions.

Literature cited by the submitters: PubMed 16380913; PubMed 20177705.